The following is an entry in ClinVar:

NM_000297.4(PKD2):c.2241-1G>A

Gene: PKD2 (polycystin 2, transient receptor potential cation channel; plus strand). Cytogenetic location: 4q22.1.
Variant type: single nucleotide variant.
Coding change: c.2241-1G>A on transcript NM_000297.4 (MANE Select); the canonical splice acceptor site of the intron before coding-DNA position 2241, G replaced by A.
Molecular consequence: splice acceptor variant.
Genome position (GRCh38, 1-based): chr4:88,065,761, G>A. VCF-style: chr4-88065761-G-A. GRCh37 (hg19) VCF-style: chr4-88986913-G-A.
Identifiers: ClinVar variation 3256862 (VCV003256862.1).

ClinVar aggregate classification (germline): Pathogenic (1 of 4 stars; one submission).

Conditions:
Polycystic kidney disease 2 (PKD2). Also called: Polycystic Kidney Disease 2, Autosomal Dominant; POLYCYSTIC KIDNEY DISEASE, ADULT, TYPE II; POLYCYSTIC KIDNEY DISEASE 2 WITH OR WITHOUT POLYCYSTIC LIVER DISEASE. Identifiers: MedGen C2751306, MONDO:0013131, OMIM 613095.

gnomAD v4.1: 1 of 1,598,296 alleles (0.000063%); highest among the groups gnomAD compares: Non-Finnish European, 0.000086%; no homozygotes.

Submission:

MVZ Medizinische Genetik Mainz
Classification: Pathogenic for Polycystic kidney disease 2. Last evaluated: 2024-05-06. Review status: criteria provided, single submitter. Criteria: UK Practice Guidelines For Variant Classification V4 01 2020. Collection method: clinical testing. Allele origin: germline. Inheritance: Autosomal dominant inheritance. Affected: yes. Observed: 1 variant allele.
Comment: ACMG Criteria: PVS1,PS1_SUP,PM2_SUP,PP4